The following is an entry in ClinVar:

NM_001723.7(DST):c.7036A>G (p.Thr2346Ala)

Gene: DST (dystonin; minus strand). Cytogenetic location: 6p12.1.
Variant type: single nucleotide variant.
Coding change: c.7036A>G on transcript NM_001723.7 (MANE Plus Clinical); coding-DNA position 7036, A replaced by G.
Protein change: p.Thr2346Ala; replaces threonine 2346 with alanine.
Molecular consequence: missense variant. On other transcripts: intron variant (10).
Genome position (GRCh38, 1-based): chr6:56,616,431, T>C on the plus strand (A>G on the coding strand, the complement: DST is on the minus strand). VCF-style: chr6-56616431-T-C. GRCh37 (hg19) VCF-style: chr6-56481229-T-C.
Other names: c.4831-1947A>G (NM_001144769.5); c.4930-1947A>G (NM_001374722.1, NM_001374736.1); c.4957-1947A>G (NM_001374734.1); c.4417-1947A>G (NM_001144770.2); c.4297-1947A>G (NM_001374730.1, NM_001386100.1, NM_183380.4 and 1 more transcripts); c.3319-1947A>G (NM_015548.5); short protein forms T2346A.
Identifiers: ClinVar variation 653187 (VCV000653187.9), dbSNP rs759433304, ClinGen allele CA139207650.

ClinVar aggregate classification (germline): Uncertain significance (1 of 4 stars; one submission).

Conditions:
Hereditary sensory and autonomic neuropathy type 6. Also called: Neuropathy, hereditary sensory and autonomic, type VI; HSAN VI. Identifiers: Orphanet 314381, MedGen C3539003, MONDO:0013839, OMIM 614653.
Epidermolysis bullosa simplex 3, localized or generalized intermediate, with BP230 deficiency (EBS3). Also called: Epidermolysis bullosa simplex due to BP230 deficiency; Epidermolysis bullosa simplex, autosomal recessive 2. Identifiers: Orphanet 412181, MedGen C3809470, MONDO:0014180, OMIM 615425.

Submission:

Labcorp Genetics (formerly Invitae), Labcorp
Classification: Uncertain significance for Epidermolysis bullosa simplex 3, localized or generalized intermediate, with BP230 deficiency; Hereditary sensory and autonomic neuropathy type 6. Last evaluated: 2018-12-15. Review status: criteria provided, single submitter. Criteria: Invitae Variant Classification Sherloc (09022015). Collection method: clinical testing. Allele origin: germline.
Comment: This sequence change replaces threonine with alanine at codon 2346 of the DST protein (p.Thr2346Ala). The threonine residue is highly conserved and there is a small physicochemical difference between threonine and alanine. In summary, the available evidence is currently insufficient to determine the role of this variant in disease. Therefore, it has been classified as a Variant of Uncertain Significance. Algorithms developed to predict the effect of missense changes on protein structure and function are either unavailable or do not agree on the potential impact of this missense change (SIFT: "Deleterious"; PolyPhen-2: "Probably Damaging"; Align-GVGD: "Class C0"). This variant has not been reported in the literature in individuals with DST-related conditions. This variant is not present in population databases (ExAC no frequency).